The following is an entry in ClinVar:

NM_000256.3(MYBPC3):c.3326C>T (p.Thr1109Ile)

Gene: MYBPC3 (myosin binding protein C3; minus strand). Cytogenetic location: 11p11.2.
Variant type: single nucleotide variant.
Coding change: c.3326C>T on transcript NM_000256.3 (MANE Select); coding-DNA position 3326, C replaced by T.
Protein change: p.Thr1109Ile; replaces threonine 1109 with isoleucine.
Molecular consequence: missense variant.
Genome position (GRCh38, 1-based): chr11:47,333,198, G>A on the plus strand (C>T on the coding strand, the complement: MYBPC3 is on the minus strand). VCF-style: chr11-47333198-G-A. GRCh37 (hg19) VCF-style: chr11-47354749-G-A.
Other names: short protein forms T1109I.
Identifiers: ClinVar variation 42705 (VCV000042705.39), dbSNP rs397516016, ClinGen allele CA013920.

ClinVar aggregate classification (germline): Conflicting classifications of pathogenicity. Review status: criteria provided, conflicting classifications (1 of 4 stars). 10 submissions from 9 submitters: Uncertain significance (4); Benign (1); Likely benign (5). Last evaluated 2026-07-20.

Conditions:
MYBPC3-related disorder. Also called: MYBPC3-related disorders; MYBPC3-related condition; MYBPC3-related disease.
Cardiovascular phenotype. Identifiers: MedGen CN230736.
Left ventricular noncompaction 10 (LVNC10). Identifiers: Orphanet 154, Orphanet 54260, MedGen C3715165, MONDO:0014163, OMIM 615396.
Cardiomyopathy (CMYO). Also called: Cardiomyopathies. Identifiers: Orphanet 167848, MedGen C0878544, MONDO:0004994, HP:0001638. Inheritance: Various modes of inheritance.
Hypertrophic cardiomyopathy 4. Also called: Familial hypertrophic cardiomyopathy 4. Identifiers: MedGen C1861862, MONDO:0007268, OMIM 115197.
Hypertrophic cardiomyopathy. Also called: HYPERTROPHIC MYOCARDIOPATHY. Identifiers: Orphanet 217569, MedGen C0007194, MeSH D002312, MONDO:0005045, HP:0001639.

Allele frequency attached by ClinVar (database versions not stated): gnomAD exomes 0.00012; TOPMed 0.00012; 1000 Genomes Project 0.00020; 1000 Genomes Project 30x 0.00031; gnomAD 0.00013; ExAC 0.00017.
gnomAD v4.1: 112 of 1,602,382 alleles (0.007%); highest among the groups gnomAD compares: African/African-American, 0.0067%; no homozygotes.

Submissions (10):

PreventionGenetics, part of Exact Sciences
Classification: Likely benign for MYBPC3-related condition. Last evaluated: 2026-07-20. Review status: criteria provided, single submitter. Criteria: ACMG Guidelines, 2015. Collection method: clinical testing. Allele origin: germline.
Comment: This variant is classified as likely benign based on ACMG/AMP sequence variant interpretation guidelines (Richards et al. 2015 PMID: 25741868, with internal and published modifications).

Labcorp Genetics (formerly Invitae), Labcorp
Classification: Likely benign for Hypertrophic cardiomyopathy. Last evaluated: 2026-02-01. Review status: criteria provided, single submitter. Criteria: Invitae Variant Classification Sherloc (09022015). Collection method: clinical testing. Allele origin: germline.

GeneDx
Classification: Uncertain significance. Last evaluated: 2025-12-09. Review status: criteria provided, single submitter. Criteria: GeneDx Variant Classification Process June 2021. Collection method: clinical testing. Allele origin: germline. Affected: yes.
Comment: Identified in patients with HCM and seen with other cardiogenetic variant(s) in at least one individual (PMID: 21839045, 25351510, 37652022); In silico analysis supports that this missense variant has a deleterious effect on protein structure/function; This variant is associated with the following publications: (PMID: 23861362, 27153395, 25351510, 21839045, 37652022)

Blueprint Genetics
Classification: Likely benign. Last evaluated: 2024-02-05. Review status: criteria provided, single submitter. Criteria: ACMG Guidelines, 2015. Collection method: clinical testing. Allele origin: germline.

Ambry Genetics
Classification: Likely benign for Cardiovascular phenotype. Last evaluated: 2023-03-24. Review status: criteria provided, single submitter. Criteria: Ambry Variant Classification Scheme 2023. Collection method: clinical testing. Allele origin: germline.

Laboratory for Molecular Medicine, Mass General Brigham Personalized Medicine
Classification: Uncertain significance. Last evaluated: 2020-04-22. Review status: criteria provided, single submitter. Criteria: LMM Criteria. Collection method: clinical testing. Allele origin: germline. Observed: 1 variant allele.
Comment: proposed classification - variant undergoing re-assessment, contact laboratory

Color Diagnostics, LLC DBA Color Health
Classification: Likely benign for Cardiomyopathy. Last evaluated: 2018-07-22. Review status: criteria provided, single submitter. Criteria: ACMG Guidelines, 2015. Collection method: clinical testing. Allele origin: germline.

Illumina Laboratory Services, Illumina
Classification: Uncertain significance for Hypertrophic cardiomyopathy 4. Last evaluated: 2017-04-28. Review status: criteria provided, single submitter. Criteria: ICSL Variant Classification Criteria 13 December 2019. Collection method: clinical testing. Allele origin: germline.
Comment: This variant was observed as part of a predisposition screen in an ostensibly healthy population. A literature search was performed for the gene, cDNA change, and amino acid change (where applicable). Publications were found based on this search. However, the evidence from the literature, in combination with allele frequency data from public databases where available, was not sufficient to rule this variant in or out of causing disease. Therefore, this variant is classified as a variant of unknown significance.

Illumina Laboratory Services, Illumina
Classification: Benign for Left ventricular noncompaction 10. Last evaluated: 2017-04-28. Review status: criteria provided, single submitter. Criteria: ICSL Variant Classification Criteria 13 December 2019. Collection method: clinical testing. Allele origin: germline.
Comment: This variant was observed as part of a predisposition screen in an ostensibly healthy population. A literature search was performed for the gene, cDNA change, and amino acid change (where applicable). No publications were found based on this search. Allele frequency data from public databases was too high to be consistent with this variant causing disease. Therefore, this variant is classified as benign.

Biesecker Lab/Clinical Genomics Section, National Institutes of Health
Classification: Uncertain significance. Last evaluated: 2013-06-24. Review status: criteria provided, single submitter. Criteria: Ng et al. (Circ Cardiovasc Genet. 2013). Collection method: research. Allele origin: unknown. Observed: 1 variant allele. Study: ClinSeq.
Comment: The study set was not selected for affection status in relation to any cancer. Pathogenicity categories were based on literature curation. See Pubmed ID:23861362 for details.

Medical sequencing

Literature cited by the submitters: PubMed 21839045 (cited by 3 submitters); PubMed 23861362 (cited by 3 submitters); PubMed 25351510 (cited by Ambry Genetics); PubMed 27153395 (cited by 3 submitters); PubMed 28840316 (cited by Ambry Genetics).